The following is an entry in ClinVar:

ClinVar aggregate classification (germline): Uncertain significance. Review status: criteria provided, multiple submitters, no conflicts (2 of 4 stars). 4 submissions from 4 submitters: Uncertain significance (4). Last evaluated 2025-06-07.

Conditions:
Inborn genetic diseases. Identifiers: MedGen C0950123, MeSH D030342.

Allele frequency attached by ClinVar (database versions not stated): gnomAD 0.00002 and 0.00001.
gnomAD v4.1: 45 of 1,604,802 alleles (0.0028%); highest among the groups gnomAD compares: South Asian, 0.014%; no homozygotes.

Submissions (4):

Ambry Genetics
Classification: Uncertain significance for Inborn genetic diseases. Last evaluated: 2025-06-07. Review status: criteria provided, single submitter. Criteria: Ambry Variant Classification Scheme 2023. Collection method: clinical testing. Allele origin: germline.

GeneDx
Classification: Uncertain significance. Last evaluated: 2024-11-15. Review status: criteria provided, single submitter. Criteria: GeneDx Variant Classification Process June 2021. Collection method: clinical testing. Allele origin: germline. Affected: yes.
Comment: In silico analysis indicates that this missense variant does not alter protein structure/function; Has not been previously published as pathogenic or benign to our knowledge

Blueprint Genetics
Classification: Uncertain significance. Last evaluated: 2022-05-17. Review status: criteria provided, single submitter. Criteria: ACMG Guidelines, 2015. Collection method: clinical testing. Allele origin: germline.

Labcorp Genetics (formerly Invitae), Labcorp
Classification: Uncertain significance. Last evaluated: 2021-08-30. Review status: criteria provided, single submitter. Criteria: Invitae Variant Classification Sherloc (09022015). Collection method: clinical testing. Allele origin: germline.
Comment: This sequence change replaces valine with methionine at codon 6294 of the ADGRV1 protein (p.Val6294Met). The valine residue is moderately conserved and there is a small physicochemical difference between valine and methionine. This variant is present in population databases (rs779615989, ExAC 0.02%). This variant has not been reported in the literature in individuals affected with ADGRV1-related conditions. Algorithms developed to predict the effect of missense changes on protein structure and function are either unavailable or do not agree on the potential impact of this missense change (SIFT: "Deleterious"; PolyPhen-2: "Possibly Damaging"; Align-GVGD: "Class C0"). In summary, the available evidence is currently insufficient to determine the role of this variant in disease. Therefore, it has been classified as a Variant of Uncertain Significance.

NM_032119.4(ADGRV1):c.18880G>A (p.Val6294Met)

Gene: ADGRV1 (adhesion G protein-coupled receptor V1; plus strand). Cytogenetic location: 5q14.3.
Variant type: single nucleotide variant.
Coding change: c.18880G>A on transcript NM_032119.4 (MANE Select); coding-DNA position 18880, G replaced by A.
Protein change: p.Val6294Met; replaces valine 6294 with methionine.
Molecular consequence: missense variant. On other transcripts: non-coding transcript variant (1).
Genome position (GRCh38, 1-based): chr5:91,163,859, G>A. VCF-style: chr5-91163859-G-A. GRCh37 (hg19) VCF-style: chr5-90459676-G-A.
Other names: short protein forms V6294M.
Identifiers: ClinVar variation 967747 (VCV000967747.10), dbSNP rs779615989, ClinGen allele CA3342769.